The following is an entry in ClinVar:

ClinVar aggregate classification (germline): Uncertain significance (1 of 4 stars; one submission).

Conditions:
Hereditary cancer-predisposing syndrome. Also called: Neoplastic Syndromes, Hereditary; Tumor predisposition; Hereditary neoplastic syndrome; Hereditary Cancer Syndrome. Identifiers: Orphanet 140162, MedGen C0027672, MeSH D009386, MONDO:0015356.

gnomAD v4.1: 5 of 1,587,562 alleles (0.00031%); highest among the groups gnomAD compares: Non-Finnish European, 0.00043%; no homozygotes.

Submission:

Ambry Genetics
Classification: Uncertain significance for Hereditary cancer-predisposing syndrome. Last evaluated: 2026-07-02. Review status: criteria provided, single submitter. Criteria: Ambry Variant Classification Scheme 2023. Collection method: clinical testing. Allele origin: germline.
Comment: The p.G28W variant (also known as c.82G>T), located in coding exon 1 of the NTHL1 gene, results from a G to T substitution at nucleotide position 82. The glycine at codon 28 is replaced by tryptophan, an amino acid with highly dissimilar properties. This amino acid position is conserved. In addition, this alteration is predicted to be tolerated by in silico analysis. Based on the available evidence, the clinical significance of this variant remains unclear.

NM_002528.7(NTHL1):c.58G>T (p.Gly20Trp)

Gene: NTHL1 (nth like DNA glycosylase 1; minus strand). Cytogenetic location: 16p13.3.
Variant type: single nucleotide variant.
Coding change: c.58G>T on transcript NM_002528.7 (MANE Select); coding-DNA position 58, G replaced by T.
Protein change: p.Gly20Trp; replaces glycine 20 with tryptophan.
Molecular consequence: missense variant. On other transcripts: 5 prime UTR variant (1).
Genome position (GRCh38, 1-based): chr16:2,047,766, C>A on the plus strand (G>T on the coding strand, the complement: NTHL1 is on the minus strand). VCF-style: chr16-2047766-C-A. GRCh37 (hg19) VCF-style: chr16-2097767-C-A.
Other names: c.58G>T, p.Gly20Trp (NM_001318193.2); c.-121G>T (NM_001318194.2); short protein forms G20W.
Identifiers: ClinVar variation 5025882 (VCV005025882.1).